The following is an entry in ClinVar:

NM_020987.5(ANK3):c.10055A>G (p.Glu3352Gly)

Gene: ANK3 (ankyrin 3; minus strand). Cytogenetic location: 10q21.2.
Variant type: single nucleotide variant.
Coding change: c.10055A>G on transcript NM_020987.5 (MANE Select); coding-DNA position 10055, A replaced by G.
Protein change: p.Glu3352Gly; replaces glutamic acid 3352 with glycine.
Molecular consequence: missense variant. On other transcripts: intron variant (4).
Genome position (GRCh38, 1-based): chr10:60,070,826, T>C on the plus strand (A>G on the coding strand, the complement: ANK3 is on the minus strand). VCF-style: chr10-60070826-T-C. GRCh37 (hg19) VCF-style: chr10-61830584-T-C.
Other names: c.4388-2817A>G (NM_001204403.2); c.4409-2817A>G (NM_001204404.2); c.4406-2817A>G (NM_001320874.2); c.1808-2817A>G (NM_001149.4); short protein forms E3352G.
Identifiers: ClinVar variation 210138 (VCV000210138.58), dbSNP rs61845768, ClinGen allele CA208462.

ClinVar aggregate classification (germline): Benign/Likely benign. Review status: criteria provided, multiple submitters, no conflicts (2 of 4 stars). 6 submissions from 6 submitters: Benign (1); Likely benign (4). 1 of the submissions does not count toward it. Last evaluated 2026-09-01.

Conditions:
ANK3-related disorder. Also called: ANK3-related condition.

Allele frequency attached by ClinVar (database versions not stated): ExAC 0.00384; gnomAD exomes 0.00399 and 0.00462; ESP Exome Variant Server 0.00400; 1000 Genomes Project 0.00120; 1000 Genomes Project 30x 0.00125; gnomAD 0.00329 and 0.00331; TOPMed 0.00363.
gnomAD v4.1: 7,290 of 1,614,178 alleles (0.45%); highest among the groups gnomAD compares: Middle Eastern, 1.6%; 31 homozygotes.

Submissions (6):

CeGaT Center for Human Genetics Tuebingen
Classification: Likely benign. Last evaluated: 2026-09-01. Review status: criteria provided, single submitter. Criteria: CeGaT Center For Human Genetics Tuebingen Variant Classification Criteria Version 2. Collection method: clinical testing. Allele origin: germline. Affected: yes. Observed: 31 variant alleles.
Comment: ANK3: BP4, BS2

Labcorp Genetics (formerly Invitae), Labcorp
Classification: Likely benign. Last evaluated: 2026-01-18. Review status: criteria provided, single submitter. Criteria: Invitae Variant Classification Sherloc (09022015). Collection method: clinical testing. Allele origin: germline.

Genetic Services Laboratory, University of Chicago
Classification: Benign. Last evaluated: 2019-01-16. Review status: criteria provided, single submitter. Criteria: ACMG Guidelines, 2015. Collection method: clinical testing. Allele origin: germline. Affected: no.

Eurofins Ntd Llc (ga)
Classification: Likely benign. Last evaluated: 2017-08-09. Review status: criteria provided, single submitter. Criteria: EGL Classification Definitions 2015. Collection method: clinical testing. Allele origin: germline. Observed: 1 variant allele, 1 heterozygote.

Breakthrough Genomics
Classification: Likely benign. Review status: criteria provided, single submitter. Criteria: ACMG Guidelines, 2015. Collection method: not provided. Allele origin: germline. Inheritance: Autosomal recessive inheritance. Affected: yes.

PreventionGenetics, part of Exact Sciences
Classification: Benign for ANK3-related condition. Last evaluated: 2021-09-20. Review status: no assertion criteria provided. Collection method: clinical testing. Allele origin: germline. Not counted in ClinVar's aggregate classification.
Comment: This variant is classified as benign based on ACMG/AMP sequence variant interpretation guidelines (Richards et al. 2015 PMID: 25741868, with internal and published modifications).